The following is an entry in ClinVar:

NM_001005242.3(PKP2):c.2168-21_2168-20del

Gene: PKP2 (plakophilin 2; minus strand). Cytogenetic location: 12p11.21.
Variant type: Deletion.
Coding change: c.2168-21_2168-20del on transcript NM_001005242.3 (MANE Select); 21 bases into the intron before coding-DNA position 2168 through 20 bases into the intron before coding-DNA position 2168, 2 bases deleted (GT; older notation c.2168-21_2168-20delGT).
Molecular consequence: intron variant.
Genome position (GRCh38, 1-based): chr12:32,796,318-32,796,319, AC deleted on the plus strand (GT on the coding strand, the reverse complement: PKP2 is on the minus strand); deleting any 2 consecutive bases within chr12:32,796,318-32,796,320 gives the same sequence; the c. name uses the placement nearest the transcript's 3' end. VCF-style (leftmost placement, unchanged base first): chr12-32796317-AAC-A. GRCh37 (hg19) VCF-style: chr12-32949251-AAC-A.
Other names: c.2300-21_2300-20del (NM_004572.4); c.2300-21_2300-20delGT (NM_004572.3).
Identifiers: ClinVar variation 188661 (VCV000188661.25), dbSNP rs200266270, ClinGen allele CA034480.

ClinVar aggregate classification (germline): Benign. Review status: criteria provided, multiple submitters, no conflicts (2 of 4 stars). 7 submissions from 7 submitters: Benign (5). 2 of the submissions do not count toward it. Last evaluated 2026-02-04.

Conditions:
Arrhythmogenic right ventricular dysplasia 9 (ARVD9). Also called: ARRHYTHMOGENIC RIGHT VENTRICULAR DYSPLASIA, FAMILIAL, 9; Arrhythmogenic Right Ventricular Dysplasia/Cardiomyopathy 9. Identifiers: MedGen C1836906, MONDO:0012180, OMIM 609040.

Submissions (7):

Labcorp Genetics (formerly Invitae), Labcorp
Classification: Benign for Arrhythmogenic right ventricular dysplasia 9. Last evaluated: 2026-02-04. Review status: criteria provided, single submitter. Criteria: Invitae Variant Classification Sherloc (09022015). Collection method: clinical testing. Allele origin: germline.

Blueprint Genetics
Classification: Benign. Last evaluated: 2024-11-26. Review status: criteria provided, single submitter. Criteria: ACMG Guidelines, 2015. Collection method: clinical testing. Allele origin: germline.

ARUP Laboratories, Molecular Genetics and Genomics, ARUP Laboratories
Classification: Benign for Arrhythmogenic right ventricular dysplasia 9. Last evaluated: 2023-12-26. Review status: criteria provided, single submitter. Criteria: ARUP Molecular Germline Variant Investigation Process 2024. Collection method: clinical testing. Allele origin: germline.

Women's Health and Genetics/Laboratory Corporation of America, LabCorp
Classification: Benign. Last evaluated: 2019-09-02. Review status: criteria provided, single submitter. Criteria: LabCorp Variant Classification Summary - May 2015. Collection method: clinical testing. Allele origin: germline.
Comment: Variant summary: PKP2 c.2300-21_2300-20delGT alters a nucleotide located close to a canonical splice site and therefore could affect mRNA splicing, leading to a significantly altered protein sequence. 4/4 computational tools predict no significant impact on normal splicing. However, these predictions have yet to be confirmed by functional studies. The variant allele was found at a frequency of 0.016 in 230752 control chromosomes, predominantly at a frequency of 0.046 within the South Asian subpopulation in the gnomAD database, including 1 homozygotes. The observed variant frequency within South Asian control individuals in the gnomAD database is approximately 43 fold of the estimated maximal expected allele frequency for a pathogenic variant in PKP2 causing Cardiomyopathy phenotype (0.0011), strongly suggesting that the variant is a benign polymorphism found primarily in populations of South Asian origin. To our knowledge, no occurrence of c.2300-21_2300-20delGT in individuals affected with Cardiomyopathy and no experimental evidence demonstrating its impact on protein function have been reported. No clinical diagnostic laboratories have submitted clinical-significance assessments for this variant to ClinVar after 2014. Based on the evidence outlined above, the variant was classified as benign.

Genome Diagnostics Laboratory, University Medical Center Utrecht
Classification: Benign for Arrhythmogenic right ventricular dysplasia 9. Last evaluated: 2014-10-09. Review status: criteria provided, single submitter. Criteria: ACGS Guidelines, 2013. Collection method: clinical testing. Allele origin: germline. Affected: yes. Study: VKGL Data-share Consensus.

CHEO Genetics Diagnostic Laboratory, Children's Hospital of Eastern Ontario
Classification: Likely benign. Review status: no assertion criteria provided. Criteria: Clinical testing. Collection method: clinical testing. Allele origin: germline. Not counted in ClinVar's aggregate classification.

Clinical Genetics, Academic Medical Center
Classification: Benign. Review status: no assertion criteria provided. Collection method: clinical testing. Allele origin: germline. Affected: yes. Study: VKGL Data-share Consensus. Not counted in ClinVar's aggregate classification.